The following is an entry in ClinVar:

NM_004618.5(TOP3A):c.180+10C>G

Gene: TOP3A (DNA topoisomerase III alpha; minus strand). Cytogenetic location: 17p11.2.
Variant type: single nucleotide variant.
Coding change: c.180+10C>G on transcript NM_004618.5 (MANE Select); 10 bases into the intron after coding-DNA position 180, C replaced by G.
Molecular consequence: intron variant.
Genome position (GRCh38, 1-based): chr17:18,314,589, G>C on the plus strand (C>G on the coding strand, the complement: TOP3A is on the minus strand). VCF-style: chr17-18314589-G-C. GRCh37 (hg19) VCF-style: chr17-18217903-G-C.
Other names: p.?; c.-32+10C>G (NM_001320759.2).
Identifiers: ClinVar variation 1573144 (VCV001573144.13), dbSNP rs17805992, ClinGen allele CA8430341.

ClinVar aggregate classification (germline): Benign/Likely benign. Review status: criteria provided, multiple submitters, no conflicts (2 of 4 stars). 5 submissions from 5 submitters: Benign (3); Likely benign (1). 1 of the submissions does not count toward it. Last evaluated 2026-02-01.

Conditions:
Progressive external ophthalmoplegia with mitochondrial DNA deletions, autosomal recessive 5. Also called: PROGRESSIVE EXTERNAL OPHTHALMOPLEGIA, AUTOSOMAL RECESSIVE 5. Identifiers: MedGen C4748184, MONDO:0020845, OMIM 618098.
Microcephaly, growth restriction, and increased sister chromatid exchange 2. Identifiers: MedGen C4748176, MONDO:0020628, OMIM 618097.
TOP3A-related disorder. Also called: TOP3A-related condition; TOP3A-related disorders.

Allele frequency attached by ClinVar (database versions not stated): 1000 Genomes Project 0.00240; 1000 Genomes Project 30x 0.00297; gnomAD exomes 0.00515; ExAC 0.00543; ESP Exome Variant Server 0.00646.
gnomAD v4.1: 10,503 of 1,604,530 alleles (0.65%); highest among the groups gnomAD compares: Non-Finnish European, 0.78%; 38 homozygotes.

Submissions (5):

Labcorp Genetics (formerly Invitae), Labcorp
Classification: Benign. Last evaluated: 2026-02-01. Review status: criteria provided, single submitter. Criteria: Invitae Variant Classification Sherloc (09022015). Collection method: clinical testing. Allele origin: germline.

Mayo Clinic Laboratories, Mayo Clinic
Classification: Benign. Last evaluated: 2023-11-17. Review status: criteria provided, single submitter. Criteria: ACMG Guidelines, 2015. Collection method: clinical testing. Allele origin: germline. Observed: 7 variant alleles.
Comment: BA1, BP4, BP7

Fulgent Genetics
Classification: Likely benign for Microcephaly, growth restriction, and increased sister chromatid exchange 2; Progressive external ophthalmoplegia with mitochondrial DNA deletions, autosomal recessive 5. Last evaluated: 2021-07-19. Review status: criteria provided, single submitter. Criteria: ACMG Guidelines, 2015. Collection method: clinical testing. Allele origin: unknown.

Breakthrough Genomics
Classification: Benign. Review status: criteria provided, single submitter. Criteria: ACMG Guidelines, 2015. Collection method: not provided. Allele origin: germline. Inheritance: Autosomal recessive inheritance. Affected: yes.

PreventionGenetics, part of Exact Sciences
Classification: Benign for TOP3A-related condition. Last evaluated: 2019-08-26. Review status: no assertion criteria provided. Collection method: clinical testing. Allele origin: germline. Not counted in ClinVar's aggregate classification.
Comment: This variant is classified as benign based on ACMG/AMP sequence variant interpretation guidelines (Richards et al. 2015 PMID: 25741868, with internal and published modifications).